The following is an entry in ClinVar:

NM_001457.4(FLNB):c.2849A>G (p.Asn950Ser)

Gene: FLNB (filamin B; plus strand). Cytogenetic location: 3p14.3.
Variant type: single nucleotide variant.
Coding change: c.2849A>G on transcript NM_001457.4 (MANE Select); coding-DNA position 2849, A replaced by G.
Protein change: p.Asn950Ser; replaces asparagine 950 with serine.
Molecular consequence: missense variant.
Genome position (GRCh38, 1-based): chr3:58,118,975, A>G. VCF-style: chr3-58118975-A-G. GRCh37 (hg19) VCF-style: chr3-58104702-A-G.
Other names: c.2849A>G, p.Asn950Ser (NM_001164317.2, NM_001164318.2, NM_001164319.2); short protein forms N950S.
Identifiers: ClinVar variation 3515918 (VCV003515918.3).

ClinVar aggregate classification (germline): Uncertain significance. Review status: criteria provided, multiple submitters, no conflicts (2 of 4 stars). 2 submissions from 2 submitters: Uncertain significance (2). Last evaluated 2025-09-03.

Conditions:
Inborn genetic diseases. Identifiers: MedGen C0950123, MeSH D030342.

gnomAD v4.1: 5 of 1,613,094 alleles (0.00031%); highest among the groups gnomAD compares: African/African-American, 0.0013%; no homozygotes.

Submissions (2):

Labcorp Genetics (formerly Invitae), Labcorp
Classification: Uncertain significance. Last evaluated: 2025-09-03. Review status: criteria provided, single submitter. Criteria: Invitae Variant Classification Sherloc (09022015). Collection method: clinical testing. Allele origin: germline.
Comment: This sequence change replaces asparagine, which is neutral and polar, with serine, which is neutral and polar, at codon 950 of the FLNB protein (p.Asn950Ser). This variant is not present in population databases (gnomAD no frequency). This variant has not been reported in the literature in individuals affected with FLNB-related conditions. ClinVar contains an entry for this variant (Variation ID: 3515918). Invitae Evidence Modeling of protein sequence and biophysical properties (such as structural, functional, and spatial information, amino acid conservation, physicochemical variation, residue mobility, and thermodynamic stability) indicates that this missense variant is not expected to disrupt FLNB protein function with a negative predictive value of 95%. In summary, the available evidence is currently insufficient to determine the role of this variant in disease. Therefore, it has been classified as a Variant of Uncertain Significance.

Ambry Genetics
Classification: Uncertain significance for Inborn genetic diseases. Last evaluated: 2024-09-03. Review status: criteria provided, single submitter. Criteria: Ambry Variant Classification Scheme 2023. Collection method: clinical testing. Allele origin: germline.